The following is an entry in ClinVar:

ClinVar aggregate classification (germline): Likely pathogenic (1 of 4 stars; one submission).

Conditions:
NEB-related disorder. Also called: NEB-Related Disorders; NEB-related condition.

Submission:

PreventionGenetics, part of Exact Sciences
Classification: Likely pathogenic for NEB-related condition. Last evaluated: 2026-06-28. Review status: criteria provided, single submitter. Criteria: ACMG Guidelines, 2015. Collection method: clinical testing. Allele origin: germline.
Comment: The NEB c.328G>T variant is predicted to result in premature protein termination (p.Gly110*). To our knowledge, this variant has not been reported in the literature or in a large population database (gnomAD), indicating this variant is rare. Nonsense variants in NEB are expected to be pathogenic. This variant is interpreted as likely pathogenic.

NM_001164508.2(NEB):c.328G>T (p.Gly110Ter)

Gene: NEB (nebulin; minus strand). Cytogenetic location: 2q23.3.
Variant type: single nucleotide variant.
Coding change: c.328G>T on transcript NM_001164508.2 (MANE Select); coding-DNA position 328, G replaced by T.
Protein change: p.Gly110Ter; replaces glycine 110 with a stop codon.
Molecular consequence: nonsense.
Genome position (GRCh38, 1-based): chr2:151,725,527, C>A on the plus strand (G>T on the coding strand, the complement: NEB is on the minus strand). VCF-style: chr2-151725527-C-A. GRCh37 (hg19) VCF-style: chr2-152582041-C-A.
Other names: c.328G>T, p.Gly110Ter (NM_001164507.2, NM_001271208.2, NM_004543.5); short protein forms G110*.
Identifiers: ClinVar variation 4994620 (VCV004994620.1).